The following is an entry in ClinVar:

NM_022124.6(CDH23):c.1370G>A (p.Arg457Gln)

Gene: CDH23 (cadherin related 23; plus strand). Cytogenetic location: 10q22.1.
Variant type: single nucleotide variant.
Coding change: c.1370G>A on transcript NM_022124.6 (MANE Select); coding-DNA position 1370, G replaced by A.
Protein change: p.Arg457Gln; replaces arginine 457 with glutamine.
Molecular consequence: missense variant.
Genome position (GRCh38, 1-based): chr10:71,646,538, G>A. VCF-style: chr10-71646538-G-A. GRCh37 (hg19) VCF-style: chr10-73406295-G-A.
Other names: c.1370G>A, p.Arg457Gln (NM_001171930.2, NM_001171931.2, NM_052836.4); short protein forms R457Q.
Identifiers: ClinVar variation 968934 (VCV000968934.5), dbSNP rs755373877, ClinGen allele CA5543785.

ClinVar aggregate classification (germline): Uncertain significance. Review status: criteria provided, single submitter (1 of 4 stars). 2 submissions from 2 submitters: Uncertain significance (1). 1 of the submissions does not count toward it. Last evaluated 2022-03-27.

Conditions:
Usher syndrome type 1 (USH1). Also called: RETINITIS PIGMENTOSA AND CONGENITAL DEAFNESS. Identifiers: Orphanet 231169, Orphanet 886, MedGen C1568247, MONDO:0010168, OMIM 276900.

Allele frequency attached by ClinVar (database versions not stated): ExAC 0.00002; gnomAD exomes 0.00001 and 0.00002; gnomAD 0.00001 and 0.00002; TOPMed 0.00001.

Submissions (2):

Labcorp Genetics (formerly Invitae), Labcorp
Classification: Uncertain significance. Last evaluated: 2022-03-27. Review status: criteria provided, single submitter. Criteria: Invitae Variant Classification Sherloc (09022015). Collection method: clinical testing. Allele origin: germline.
Comment: This sequence change replaces arginine, which is basic and polar, with glutamine, which is neutral and polar, at codon 457 of the CDH23 protein (p.Arg457Gln). This variant is present in population databases (rs755373877, gnomAD 0.01%). This variant has not been reported in the literature in individuals affected with CDH23-related conditions. ClinVar contains an entry for this variant (Variation ID: 968934). Algorithms developed to predict the effect of missense changes on protein structure and function are either unavailable or do not agree on the potential impact of this missense change (SIFT: "Deleterious"; PolyPhen-2: "Not Available"; Align-GVGD: "Class C35"). In summary, the available evidence is currently insufficient to determine the role of this variant in disease. Therefore, it has been classified as a Variant of Uncertain Significance.

Natera, Inc.
Classification: Uncertain significance for Usher syndrome type 1. Last evaluated: 2020-01-24. Review status: no assertion criteria provided. Collection method: clinical testing. Allele origin: germline. Not counted in ClinVar's aggregate classification.